The following is an entry in ClinVar:

ClinVar aggregate classification (germline): Pathogenic (1 of 4 stars; one submission).

Conditions:
Hereditary thrombocytopenia and hematological cancer predisposition syndrome associated with RUNX1. Also called: Familial Platelet Disorder with Propensity to Acute Myelogenous Leukemia; Familial thrombocytopenia with propensity to acute myelogenous leukemia; PLATELET DISORDER, ASPIRIN-LIKE; RUNX1 Familial Platelet Disorder with Associated Myeloid Malignancies. Identifiers: Orphanet 71290, MedGen C1832388, MeSH C563324, MONDO:0100083, OMIM 601399.

Submission:

Labcorp Genetics (formerly Invitae), Labcorp
Classification: Pathogenic for Hereditary thrombocytopenia and hematological cancer predisposition syndrome associated with RUNX1. Last evaluated: 2025-05-12. Review status: criteria provided, single submitter. Criteria: Invitae Variant Classification Sherloc (09022015). Collection method: clinical testing. Allele origin: germline.
Comment: This sequence change creates a premature translational stop signal (p.Ser322Glnfs*6) in the RUNX1 gene. While this is not anticipated to result in nonsense mediated decay, it is expected to disrupt the last 159 amino acid(s) of the RUNX1 protein. This variant is not present in population databases (gnomAD no frequency). This variant has not been reported in the literature in individuals affected with RUNX1-related conditions. This variant disrupts a region of the RUNX1 protein in which other variant(s) (p.Tyr414* ) have been determined to be pathogenic (PMID: 14504086, 15749889, 22689681, 23753029, 30600763). This suggests that this is a clinically significant region of the protein, and that variants that disrupt it are likely to be disease-causing. For these reasons, this variant has been classified as Pathogenic.

Literature cited by the submitters: PubMed 14504086; PubMed 15749889; PubMed 22689681; PubMed 23753029; PubMed 30600763.

NM_001754.5(RUNX1):c.963del (p.Ser322fs)

Gene: RUNX1 (RUNX family transcription factor 1; minus strand). Cytogenetic location: 21q22.12.
Variant type: Deletion.
Coding change: c.963del on transcript NM_001754.5 (MANE Select); coding-DNA position 963, one base deleted (C; older notation c.963delC).
Protein change: p.Ser322fs; shifts the reading frame from serine 322.
Molecular consequence: frameshift variant.
Genome position (GRCh38, 1-based): chr21:34,799,305, G deleted on the plus strand (C on the coding strand, the reverse complement: RUNX1 is on the minus strand). VCF-style (leftmost placement, unchanged base first): chr21-34799304-AG-A. GRCh37 (hg19) VCF-style: chr21-36171601-AG-A.
Other names: c.882del, p.Ser295fs (NM_001001890.3); short protein forms S295fs, S322fs.
Identifiers: ClinVar variation 4798847 (VCV004798847.1).